The following is an entry in ClinVar:

ClinVar aggregate classification (germline): Uncertain significance (1 of 4 stars; one submission).

Conditions:
Inborn genetic diseases. Identifiers: MedGen C0950123, MeSH D030342.

Submission:

Ambry Genetics
Classification: Uncertain significance for Inborn genetic diseases. Last evaluated: 2025-02-09. Review status: criteria provided, single submitter. Criteria: Ambry Variant Classification Scheme 2023. Collection method: clinical testing. Allele origin: germline.
Comment: The p.A237E variant (also known as c.710C>A), located in coding exon 2 of the WT1 gene, results from a C to A substitution at nucleotide position 710. The alanine at codon 237 is replaced by glutamic acid, an amino acid with dissimilar properties. This amino acid position is conserved. In addition, the in silico prediction for this alteration is inconclusive. Based on the available evidence, the clinical significance of this variant remains unclear.

NM_024426.6(WT1):c.725C>A (p.Ala242Glu)

Gene: WT1 (WT1 transcription factor; minus strand). Cytogenetic location: 11p13.
Variant type: single nucleotide variant.
Coding change: c.725C>A on transcript NM_024426.6 (MANE Select); coding-DNA position 725, C replaced by A.
Protein change: p.Ala242Glu; replaces alanine 242 with glutamic acid.
Molecular consequence: missense variant. On other transcripts: 5 prime UTR variant (1), non-coding transcript variant (2), intron variant (2).
Genome position (GRCh38, 1-based): chr11:32,428,556, G>T on the plus strand (C>A on the coding strand, the complement: WT1 is on the minus strand). VCF-style: chr11-32428556-G-T. GRCh37 (hg19) VCF-style: chr11-32450102-G-T.
Other names: c.725C>A, p.Ala242Glu (NM_000378.6, NM_001407044.1, NM_001407045.1 and 4 more transcripts); c.74C>A, p.Ala25Glu (NM_001198551.2, NM_001198552.2); c.-38C>A (NM_001407051.1); c.506C>A, p.Ala169Glu (NM_001429031.1, NM_001429032.1, NM_001429033.1 and 1 more transcripts); c.662-498C>A (NM_001407050.1, NM_001407047.1); short protein forms A169E, A25E, A237E, A242E.
Identifiers: ClinVar variation 3817479 (VCV003817479.1).
Genomic context (GRCh38, chr11:32,428,556, plus strand): 5'-CCCAGCGAGCCCTGCTGGCCCATGGGATCCTCATGCTTGAATGAGTGGTTGGGGAACTGC[G>T]CCGCATGGTGCGAGGGCGTGTGACCGTAGCTGGGCGTCCCGTCGAAGGTGACCGTGCTGT-3'
Protein context (NP_077744.4, residues 232-252): SYGHTPSHHA[Ala242Glu]QFPNHSFKHE